The following is an entry in ClinVar:

NM_000260.4(MYO7A):c.271G>T (p.Asp91Tyr)

Gene: MYO7A (myosin VIIA; plus strand). Cytogenetic location: 11q13.5.
Variant type: single nucleotide variant.
Coding change: c.271G>T on transcript NM_000260.4 (MANE Select); coding-DNA position 271, G replaced by T.
Protein change: p.Asp91Tyr; replaces aspartic acid 91 with tyrosine.
Molecular consequence: missense variant.
Genome position (GRCh38, 1-based): chr11:77,147,936, G>T. VCF-style: chr11-77147936-G-T. GRCh37 (hg19) VCF-style: chr11-76858982-G-T.
Other names: c.271G>T, p.Asp91Tyr (NM_001127180.2); c.238G>T, p.Asp80Tyr (NM_001369365.1); short protein forms D80Y, D91Y.
Identifiers: ClinVar variation 1464241 (VCV001464241.6), dbSNP rs939731190, ClinGen allele CA381929379.

ClinVar aggregate classification (germline): Uncertain significance (1 of 4 stars; one submission).

Allele frequency attached by ClinVar (database versions not stated): gnomAD 0.00001.

Submission:

Labcorp Genetics (formerly Invitae), Labcorp
Classification: Uncertain significance. Last evaluated: 2023-08-24. Review status: criteria provided, single submitter. Criteria: Invitae Variant Classification Sherloc (09022015). Collection method: clinical testing. Allele origin: germline.
Comment: In summary, the available evidence is currently insufficient to determine the role of this variant in disease. Therefore, it has been classified as a Variant of Uncertain Significance. Advanced modeling of protein sequence and biophysical properties (such as structural, functional, and spatial information, amino acid conservation, physicochemical variation, residue mobility, and thermodynamic stability) has been performed at Invitae for this missense variant, however the output from this modeling did not meet the statistical confidence thresholds required to predict the impact of this variant on MYO7A protein function. ClinVar contains an entry for this variant (Variation ID: 1464241). This variant has not been reported in the literature in individuals affected with MYO7A-related conditions. This variant is not present in population databases (gnomAD no frequency). This sequence change replaces aspartic acid, which is acidic and polar, with tyrosine, which is neutral and polar, at codon 91 of the MYO7A protein (p.Asp91Tyr).